The following is an entry in ClinVar:

NM_003924.4(PHOX2B):c.691_698del (p.Gly231fs)

Gene: PHOX2B (paired like homeobox 2B; minus strand). Cytogenetic location: 4p13.
Variant type: Microsatellite.
Coding change: c.691_698del on transcript NM_003924.4 (MANE Select); coding-DNA positions 691 to 698, 8 bases deleted (GGCCCGGG; older notation c.691_698delGGCCCGGG).
Protein change: p.Gly231fs; shifts the reading frame from glycine 231.
Molecular consequence: frameshift variant.
Genome position (GRCh38, 1-based): chr4:41,746,054-41,746,061, CCCGGGCC deleted on the plus strand (GGCCCGGG on the coding strand, the reverse complement: PHOX2B is on the minus strand); deleting any 8 consecutive bases within chr4:41,746,054-41,746,071 gives the same sequence; the c. name uses the placement nearest the transcript's 3' end. VCF-style (leftmost placement, unchanged base first): chr4-41746053-TCCCGGGCC-T. GRCh37 (hg19) VCF-style: chr4-41748070-TCCCGGGCC-T.
Other names: short protein forms G231fs.
Identifiers: ClinVar variation 1333573 (VCV001333573.1), dbSNP rs2153112779, ClinGen allele CA2580616090.

ClinVar aggregate classification (germline): Likely pathogenic (1 of 4 stars; one submission).

Conditions:
Congenital central hypoventilation. Also called: Congenital Central Hypoventilation Syndrome. Identifiers: Orphanet 661, Orphanet 99803, MedGen C1275808, MONDO:0800031. Disease mechanism: gain of function.

Submission:

3billion
Classification: Likely pathogenic for Central hypoventilation syndrome, congenital, 1, with or without Hirschsprung disease. Last evaluated: 2022-01-03. Review status: criteria provided, single submitter. Criteria: ACMG Guidelines, 2015. Collection method: clinical testing. Allele origin: germline. Affected: yes. Observed: 1 heterozygote.
Comment: Frameshift: predicted to result in a loss or disruption of normal protein function through protein truncation. Multiple pathogenic variants are reported in the predicted truncated region (PVS1_S). The variant has been reported to be associated with PHOX2B related disorder (PMID:19422034). It is not observed in the gnomAD v2.1.1 dataset (PM2_M). Therefore, this variant is classified as likely pathogenic according to the recommendation of ACMG/AMP guideline.

Literature cited by the submitters: PubMed 19422034.